The following is an entry in ClinVar:

ClinVar aggregate classification (germline): Uncertain significance (1 of 4 stars; one submission).

Conditions:
Catecholaminergic polymorphic ventricular tachycardia 1. Also called: RYR2-Related Catecholaminergic Polymorphic Ventricular Tachycardia; VENTRICULAR TACHYCARDIA, CATECHOLAMINERGIC POLYMORPHIC, 1, WITH OR WITHOUT ATRIAL DYSFUNCTION AND/OR DILATED CARDIOMYOPATHY; VENTRICULAR TACHYCARDIA, STRESS-INDUCED POLYMORPHIC 1. Identifiers: Orphanet 3286, MedGen C1631597, MONDO:0011484, OMIM 604772.

Allele frequency attached by ClinVar (database versions not stated): TOPMed 0.00001.

Submission:

Labcorp Genetics (formerly Invitae), Labcorp
Classification: Uncertain significance for Catecholaminergic polymorphic ventricular tachycardia 1. Last evaluated: 2023-03-19. Review status: criteria provided, single submitter. Criteria: Invitae Variant Classification Sherloc (09022015). Collection method: clinical testing. Allele origin: germline.
Comment: In summary, the available evidence is currently insufficient to determine the role of this variant in disease. Therefore, it has been classified as a Variant of Uncertain Significance. Algorithms developed to predict the effect of sequence changes on RNA splicing suggest that this variant may create or strengthen a splice site. This variant has not been reported in the literature in individuals affected with RYR2-related conditions. This variant is not present in population databases (gnomAD no frequency). This sequence change falls in intron 93 of the RYR2 gene. It does not directly change the encoded amino acid sequence of the RYR2 protein.

NM_001035.3(RYR2):c.13564-17T>C

Gene: RYR2 (ryanodine receptor 2; plus strand). Cytogenetic location: 1q43.
Variant type: single nucleotide variant.
Coding change: c.13564-17T>C on transcript NM_001035.3 (MANE Select); 17 bases into the intron before coding-DNA position 13564, T replaced by C.
Molecular consequence: intron variant.
Genome position (GRCh38, 1-based): chr1:237,792,088, T>C. VCF-style: chr1-237792088-T-C. GRCh37 (hg19) VCF-style: chr1-237955388-T-C.
Identifiers: ClinVar variation 2888100 (VCV002888100.3), dbSNP rs1287451336, ClinGen allele CA733325089.